The following is an entry in ClinVar:

NM_016628.5(WAC):c.61dup (p.Asp21fs)

Genes: WAC (WW domain containing adaptor with coiled-coil; plus strand), LOC130003576 (ATAC-STARR-seq lymphoblastoid silent region 2255; plus strand). Cytogenetic location: 10p12.1.
Variant type: Duplication.
Coding change: c.61dup on transcript NM_016628.5 (MANE Select); coding-DNA position 61, one base duplicated (G; older notation c.61dupG).
Protein change: p.Asp21fs; shifts the reading frame from aspartic acid 21.
Molecular consequence: frameshift variant. On other transcripts: 5 prime UTR variant (1).
Genome position (GRCh38, 1-based): chr10:28,534,017, G duplicated; the last of 6 consecutive G bases (chr10:28,534,012-28,534,017); duplicating any one gives the same sequence. VCF-style (leftmost placement, unchanged base first): chr10-28534011-A-AG. GRCh37 (hg19) VCF-style: chr10-28822940-A-AG.
Other names: c.-75dup (NM_100264.3); c.61dup, p.Asp21fs (NM_100486.4); short protein forms D21fs.
Identifiers: ClinVar variation 1254192 (VCV001254192.3), dbSNP rs1358005214, ClinGen allele CA592659315.

ClinVar aggregate classification (germline): Pathogenic (1 of 4 stars; one submission).

Submission:

GeneDx
Classification: Pathogenic. Last evaluated: 2026-09-19. Review status: criteria provided, single submitter. Criteria: GeneDx Variant Classification Process June 2021. Collection method: clinical testing. Allele origin: germline.
Comment: Frameshift variant predicted to result in protein truncation or nonsense mediated decay in a gene for which loss of function is a known mechanism of disease; Not observed at significant frequency in large population cohorts (gnomAD); Has not been previously published as pathogenic or benign to our knowledge